The following is an entry in ClinVar:

NM_001360.3(DHCR7):c.232G>A (p.Gly78Arg)

Gene: DHCR7 (7-dehydrocholesterol reductase; minus strand). Cytogenetic location: 11q13.4.
Variant type: single nucleotide variant.
Coding change: c.232G>A on transcript NM_001360.3 (MANE Select); coding-DNA position 232, G replaced by A.
Protein change: p.Gly78Arg; replaces glycine 78 with arginine.
Molecular consequence: missense variant.
Genome position (GRCh38, 1-based): chr11:71,444,082, C>T on the plus strand (G>A on the coding strand, the complement: DHCR7 is on the minus strand). VCF-style: chr11-71444082-C-T. GRCh37 (hg19) VCF-style: chr11-71155128-C-T.
Other names: c.232G>A, p.Gly78Arg (NM_001163817.2); short protein forms G78R.
Identifiers: ClinVar variation 556237 (VCV000556237.5), dbSNP rs373352413, ClinGen allele CA6162658.

ClinVar aggregate classification (germline): Uncertain significance. Review status: criteria provided, multiple submitters, no conflicts (2 of 4 stars). 4 submissions from 4 submitters: Uncertain significance (3). 1 of the submissions does not count toward it. Last evaluated 2024-11-25.

Conditions:
Smith-Lemli-Opitz syndrome (SLOS). Also called: LETHAL ACRODYSGENITAL SYNDROME; POLYDACTYLY, SEX REVERSAL, RENAL HYPOPLASIA, AND UNILOBAR LUNG; RSH SYNDROME; RUTLEDGE LETHAL MULTIPLE CONGENITAL ANOMALY SYNDROME; 7-Dehydrocholesterol reductase deficiency. Identifiers: Orphanet 818, MedGen C0175694, MONDO:0010035, OMIM 270400.

Allele frequency attached by ClinVar (database versions not stated): gnomAD 0.00001; gnomAD exomes 0.00002; TOPMed 0.00002; ExAC 0.00004; ESP Exome Variant Server 0.00008.
gnomAD v4.1: 39 of 1,613,514 alleles (0.0024%); highest among the groups gnomAD compares: South Asian, 0.011%; no homozygotes.

Submissions (4):

GeneDx
Classification: Uncertain significance. Last evaluated: 2024-11-25. Review status: criteria provided, single submitter. Criteria: GeneDx Variant Classification Process June 2021. Collection method: clinical testing. Allele origin: germline. Affected: yes.
Comment: In silico analysis supports that this missense variant has a deleterious effect on protein structure/function; Not observed at significant frequency in large population cohorts (gnomAD); This variant is associated with the following publications: (PMID: 24813812, 28397838)

Women's Health and Genetics/Laboratory Corporation of America, LabCorp
Classification: Uncertain significance. Last evaluated: 2023-12-15. Review status: criteria provided, single submitter. Criteria: LabCorp Variant Classification Summary - May 2015. Collection method: clinical testing. Allele origin: germline.
Comment: Variant summary: DHCR7 c.232G>A (p.Gly78Arg) results in a non-conservative amino acid change in the encoded protein sequence. Five of five in-silico tools predict a damaging effect of the variant on protein function. The variant allele was found at a frequency of 2e-05 in 249716 control chromosomes (gnomAD). The available data on variant occurrences in the general population are insufficient to allow any conclusion about variant significance. c.232G>A has been reported in the literature in the homozygous state in several individuals from a consanguineous family who were affected with intellectual disability with no obvious dysmorphic features or comorbidities, however no additional clinical information was provided (Harripaul_2018). This report does not provide unequivocal conclusions about association of the variant with Smith-Lemli-Opitz Syndrome. To our knowledge, no experimental evidence demonstrating an impact on protein function has been reported. The following publications have been ascertained in the context of this evaluation (PMID: 24813812, 28397838). Two submitters have cited clinical-significance assessments for this variant to ClinVar after 2014. Both submitters classified the variant as uncertain significance. Based on the evidence outlined above, the variant was classified as uncertain significance.

Labcorp Genetics (formerly Invitae), Labcorp
Classification: Uncertain significance for Smith-Lemli-Opitz syndrome. Last evaluated: 2022-03-23. Review status: criteria provided, single submitter. Criteria: Invitae Variant Classification Sherloc (09022015). Collection method: clinical testing. Allele origin: germline.
Comment: This sequence change replaces glycine, which is neutral and non-polar, with arginine, which is basic and polar, at codon 78 of the DHCR7 protein (p.Gly78Arg). This variant is present in population databases (rs373352413, gnomAD 0.01%). This missense change has been observed in individual(s) with clinical features of Smith-Lemli-Opitz syndrome (PMID: 24813812, 28397838). ClinVar contains an entry for this variant (Variation ID: 556237). Advanced modeling of protein sequence and biophysical properties (such as structural, functional, and spatial information, amino acid conservation, physicochemical variation, residue mobility, and thermodynamic stability) performed at Invitae indicates that this missense variant is expected to disrupt DHCR7 protein function. Algorithms developed to predict the effect of sequence changes on RNA splicing suggest that this variant may create or strengthen a splice site. In summary, the available evidence is currently insufficient to determine the role of this variant in disease. Therefore, it has been classified as a Variant of Uncertain Significance.

Counsyl
Classification: Uncertain significance for Smith-Lemli-Opitz syndrome. Last evaluated: 2018-01-23. Review status: no assertion criteria provided. Collection method: clinical testing. Allele origin: unknown. Not counted in ClinVar's aggregate classification.

Literature cited by the submitters: PubMed 24813812 (cited by Women's Health and Genetics/Laboratory Corporation of America, LabCorp and Labcorp Genetics (formerly Invitae), Labcorp); PubMed 28397838 (cited by Women's Health and Genetics/Laboratory Corporation of America, LabCorp and Labcorp Genetics (formerly Invitae), Labcorp).